The following is an entry in ClinVar:

ClinVar aggregate classification (germline): Uncertain significance. Review status: criteria provided, multiple submitters, no conflicts (2 of 4 stars). 2 submissions from 2 submitters: Uncertain significance (2). Last evaluated 2025-08-08.

Conditions:
Inborn genetic diseases. Identifiers: MedGen C0950123, MeSH D030342.
Glutamate formiminotransferase deficiency. Also called: Arakawa syndrome 1; Formiminoglutamic aciduria. Identifiers: Orphanet 51208, MedGen C0268609, MONDO:0009240, OMIM 229100.

Allele frequency attached by ClinVar (database versions not stated): ExAC 0.00007; ESP Exome Variant Server 0.00008; TOPMed 0.00014; gnomAD 0.00015; 1000 Genomes Project 30x 0.00062; 1000 Genomes Project 0.00080.
gnomAD v4.1: 81 of 1,613,658 alleles (0.005%); highest among the groups gnomAD compares: African/African-American, 0.076%; 1 homozygote.

Submissions (2):

Ambry Genetics
Classification: Uncertain significance for Inborn genetic diseases. Last evaluated: 2025-08-08. Review status: criteria provided, single submitter. Criteria: Ambry Variant Classification Scheme 2023. Collection method: clinical testing. Allele origin: germline.

Labcorp Genetics (formerly Invitae), Labcorp
Classification: Uncertain significance for Glutamate formiminotransferase deficiency. Last evaluated: 2022-08-19. Review status: criteria provided, single submitter. Criteria: Invitae Variant Classification Sherloc (09022015). Collection method: clinical testing. Allele origin: germline.
Comment: This variant has not been reported in the literature in individuals affected with FTCD-related conditions. This variant is present in population databases (rs190697279, gnomAD 0.05%). This sequence change replaces leucine, which is neutral and non-polar, with methionine, which is neutral and non-polar, at codon 531 of the FTCD protein (p.Leu531Met). Algorithms developed to predict the effect of missense changes on protein structure and function (SIFT, PolyPhen-2, Align-GVGD) all suggest that this variant is likely to be tolerated. In summary, the available evidence is currently insufficient to determine the role of this variant in disease. Therefore, it has been classified as a Variant of Uncertain Significance.

NM_206965.2(FTCD):c.1591C>A (p.Leu531Met)

Gene: FTCD (formimidoyltransferase cyclodeaminase; minus strand). Cytogenetic location: 21q22.3.
Variant type: single nucleotide variant.
Coding change: c.1591C>A on transcript NM_206965.2 (MANE Select); coding-DNA position 1591, C replaced by A.
Protein change: p.Leu531Met; replaces leucine 531 with methionine.
Molecular consequence: missense variant.
Genome position (GRCh38, 1-based): chr21:46,137,022, G>T on the plus strand (C>A on the coding strand, the complement: FTCD is on the minus strand). VCF-style: chr21-46137022-G-T. GRCh37 (hg19) VCF-style: chr21-47556936-G-T.
Other names: c.1591C>A (NM_006657.2); c.1571C>A, p.Thr524Asn (NM_001320412.2); c.1591C>A, p.Leu531Met (NM_006657.3); short protein forms T524N, L531M.
Identifiers: ClinVar variation 2177392 (VCV002177392.5), dbSNP rs190697279, ClinGen allele CA10073315.